The following is an entry in ClinVar:

ClinVar aggregate classification (germline): Uncertain significance (1 of 4 stars; one submission).

Conditions:
RASopathy. Also called: rasopathies; Noonan spectrum disorder. Identifiers: Orphanet 536391, MedGen C5555857, MONDO:0021060.

Submission:

Labcorp Genetics (formerly Invitae), Labcorp
Classification: Uncertain significance for RASopathy. Last evaluated: 2025-08-09. Review status: criteria provided, single submitter. Criteria: Invitae Variant Classification Sherloc (09022015). Collection method: clinical testing. Allele origin: germline.
Comment: This sequence change replaces serine, which is neutral and polar, with isoleucine, which is neutral and non-polar, at codon 439 of the CBL protein (p.Ser439Ile). This variant is not present in population databases (gnomAD no frequency). This variant has not been reported in the literature in individuals affected with CBL-related conditions. Invitae Evidence Modeling of protein sequence and biophysical properties (such as structural, functional, and spatial information, amino acid conservation, physicochemical variation, residue mobility, and thermodynamic stability) indicates that this missense variant is not expected to disrupt CBL protein function with a negative predictive value of 95%. In summary, the available evidence is currently insufficient to determine the role of this variant in disease. Therefore, it has been classified as a Variant of Uncertain Significance.

NM_005188.4(CBL):c.1316G>T (p.Ser439Ile)

Gene: CBL (Cbl proto-oncogene; plus strand). Cytogenetic location: 11q23.3.
Variant type: single nucleotide variant.
Coding change: c.1316G>T on transcript NM_005188.4 (MANE Select); coding-DNA position 1316, G replaced by T.
Protein change: p.Ser439Ile; replaces serine 439 with isoleucine.
Molecular consequence: missense variant.
Genome position (GRCh38, 1-based): chr11:119,278,598, G>T. VCF-style: chr11-119278598-G-T. GRCh37 (hg19) VCF-style: chr11-119149308-G-T.
Other names: short protein forms S439I.
Identifiers: ClinVar variation 4800614 (VCV004800614.1).